The following is an entry in ClinVar:

ClinVar aggregate classification (germline): Benign/Likely benign. Review status: criteria provided, multiple submitters, no conflicts (2 of 4 stars). 3 submissions from 3 submitters: Benign (1); Likely benign (2). Last evaluated 2018-08-14.

Conditions:
Isolated microphthalmia 3 (MCOPS16). Also called: MICROPHTHALMIA, SYNDROMIC 16. Identifiers: Orphanet 2542, MedGen C5774181, MONDO:0012604, OMIM 611038.

Allele frequency attached by ClinVar (database versions not stated): 1000 Genomes Project 0.18890; 1000 Genomes Project 30x 0.19035; TOPMed 0.20997; gnomAD 0.21564 and 0.21619; gnomAD exomes 0.24688.
gnomAD v4.1: 159,859 of 667,472 alleles (24%); highest among the groups gnomAD compares: Non-Finnish European, 26%; 20,234 homozygotes.

Submissions (3):

GeneDx
Classification: Benign. Last evaluated: 2018-08-14. Review status: criteria provided, single submitter. Criteria: GeneDx Variant Classification Process June 2021. Collection method: clinical testing. Allele origin: germline. Affected: yes.

Illumina Laboratory Services, Illumina
Classification: Likely benign for Isolated microphthalmia 3. Last evaluated: 2017-04-27. Review status: criteria provided, single submitter. Criteria: ICSL Variant Classification Criteria 13 December 2019. Collection method: clinical testing. Allele origin: germline.
Comment: This variant was observed as part of a predisposition screen in an ostensibly healthy population. A literature search was performed for the gene, cDNA change, and amino acid change (where applicable). No publications were found based on this search. Allele frequency data from public databases allowed determination this variant is unlikely to cause disease. Therefore, this variant is classified as likely benign.

Breakthrough Genomics
Classification: Likely benign. Review status: criteria provided, single submitter. Criteria: ACMG Guidelines, 2015. Collection method: not provided. Allele origin: germline. Inheritance: Autosomal recessive inheritance. Affected: yes.

NM_013435.3(RAX):c.*236C>T

Gene: RAX (retina and anterior neural fold homeobox; minus strand). Cytogenetic location: 18q21.32.
Variant type: single nucleotide variant.
Coding change: c.*236C>T on transcript NM_013435.3 (MANE Select); 236 bases downstream of the stop codon, C replaced by T.
Molecular consequence: 3 prime UTR variant.
Genome position (GRCh38, 1-based): chr18:59,268,768, G>A on the plus strand (C>T on the coding strand, the complement: RAX is on the minus strand). VCF-style: chr18-59268768-G-A. GRCh37 (hg19) VCF-style: chr18-56936000-G-A.
Identifiers: ClinVar variation 327528 (VCV000327528.8), dbSNP rs28774981, ClinGen allele CA10647979.